The following is an entry in ClinVar:

ClinVar aggregate classification (germline): Likely benign (0 of 4 stars; one submission).

Conditions:
ADGRG4-related disorder. Also called: ADGRG4-related condition.

Allele frequency attached by ClinVar (database versions not stated): ESP Exome Variant Server 0.00009; ExAC 0.00013; gnomAD exomes 0.00018; 1000 Genomes Project 30x 0.00021; gnomAD 0.00022; 1000 Genomes Project 0.00026; TOPMed 0.00063.
gnomAD v4.1: 228 of 1,206,679 alleles (0.019%); highest among the groups gnomAD compares: Middle Eastern, 0.092%; no homozygotes.

Submission:

PreventionGenetics, part of Exact Sciences
Classification: Likely benign for ADGRG4-related condition. Last evaluated: 2023-04-14. Review status: no assertion criteria provided. Collection method: clinical testing. Allele origin: germline.
Comment: This variant is classified as likely benign based on ACMG/AMP sequence variant interpretation guidelines (Richards et al. 2015 PMID: 25741868, with internal and published modifications).

NM_153834.4(ADGRG4):c.5600G>A (p.Gly1867Glu)

Gene: ADGRG4 (adhesion G protein-coupled receptor G4; plus strand). Cytogenetic location: Xq26.3.
Variant type: single nucleotide variant.
Coding change: c.5600G>A on transcript NM_153834.4 (MANE Select); coding-DNA position 5600, G replaced by A.
Protein change: p.Gly1867Glu; replaces glycine 1867 with glutamic acid.
Molecular consequence: missense variant.
Genome position (GRCh38, 1-based): chrX:136,349,306, G>A. VCF-style: chrX-136349306-G-A. GRCh37 (hg19) VCF-style: chrX-135431465-G-A.
Other names: short protein forms G1867E.
Identifiers: ClinVar variation 3033194 (VCV003033194.2), dbSNP rs374459154, ClinGen allele CA10526600.